The following is an entry in ClinVar:

ClinVar aggregate classification (germline): Uncertain significance. Review status: criteria provided, multiple submitters, no conflicts (2 of 4 stars). 2 submissions from 2 submitters: Uncertain significance (2). Last evaluated 2023-07-21.

Conditions:
Cornelia de Lange syndrome 1 (CDLS1). Also called: NIPBL-Related Cornelia de Lange Syndrome; Brachmann de Lange syndrome; TYPUS DEGENERATIVUS AMSTELODAMENSIS. Identifiers: Orphanet 199, MedGen C4551851, MONDO:0007387, OMIM 122470.
NIPBL-related disorder. Also called: NIPBL-related condition.

Allele frequency attached by ClinVar (database versions not stated): gnomAD exomes below 0.00001; TOPMed below 0.00001.
gnomAD v4.1: 6 of 1,614,108 alleles (0.00037%); highest among the groups gnomAD compares: Admixed American, 0.0033%; no homozygotes.

Submissions (2):

Labcorp Genetics (formerly Invitae), Labcorp
Classification: Uncertain significance for Cornelia de Lange syndrome 1. Last evaluated: 2023-07-21. Review status: criteria provided, single submitter. Criteria: Invitae Variant Classification Sherloc (09022015). Collection method: clinical testing. Allele origin: germline.
Comment: This variant is present in population databases (no rsID available, gnomAD 0.003%). This sequence change replaces leucine, which is neutral and non-polar, with proline, which is neutral and non-polar, at codon 1810 of the NIPBL protein (p.Leu1810Pro). This variant has not been reported in the literature in individuals affected with NIPBL-related conditions. An algorithm developed to predict the effect of missense changes on protein structure and function (PolyPhen-2) suggests that this variant is likely to be tolerated. In summary, the available evidence is currently insufficient to determine the role of this variant in disease. Therefore, it has been classified as a Variant of Uncertain Significance.

PreventionGenetics, part of Exact Sciences
Classification: Uncertain significance for NIPBL-related condition. Last evaluated: 2023-01-16. Review status: criteria provided, single submitter. Criteria: ACMG Guidelines, 2015. Collection method: clinical testing. Allele origin: germline.
Comment: The NIPBL c.5429T>C variant is predicted to result in the amino acid substitution p.Leu1810Pro. To our knowledge, this variant has not been reported in the literature. This variant is reported in 0.0029% of alleles in individuals of Latino descent in gnomAD. At this time, the clinical significance of this variant is uncertain due to the absence of conclusive functional and genetic evidence.

NM_133433.4(NIPBL):c.5429T>C (p.Leu1810Pro)

Gene: NIPBL (NIPBL cohesin loading factor; plus strand). Cytogenetic location: 5p13.2.
Variant type: single nucleotide variant.
Coding change: c.5429T>C on transcript NM_133433.4 (MANE Select); coding-DNA position 5429, T replaced by C.
Protein change: p.Leu1810Pro; replaces leucine 1810 with proline.
Molecular consequence: missense variant.
Genome position (GRCh38, 1-based): chr5:37,022,245, T>C. VCF-style: chr5-37022245-T-C. GRCh37 (hg19) VCF-style: chr5-37022347-T-C.
Other names: c.5429T>C, p.Leu1810Pro (NM_015384.5); short protein forms L1810P.
Identifiers: ClinVar variation 2629805 (VCV002629805.4), dbSNP rs894117241, ClinGen allele CA117029000.